The following is an entry in ClinVar:

NM_181507.2(HPS5):c.1175C>T (p.Thr392Ile)

Gene: HPS5 (HPS5 biogenesis of lysosomal organelles complex 2 subunit 2; minus strand). Cytogenetic location: 11p15.1.
Variant type: single nucleotide variant.
Coding change: c.1175C>T on transcript NM_181507.2 (MANE Select); coding-DNA position 1175, C replaced by T.
Protein change: p.Thr392Ile; replaces threonine 392 with isoleucine.
Molecular consequence: missense variant.
Genome position (GRCh38, 1-based): chr11:18,297,707, G>A on the plus strand (C>T on the coding strand, the complement: HPS5 is on the minus strand). VCF-style: chr11-18297707-G-A. GRCh37 (hg19) VCF-style: chr11-18319254-G-A.
Other names: c.833C>T, p.Thr278Ile (NM_007216.4, NM_181508.2); short protein forms T278I, T392I.
Identifiers: ClinVar variation 1371476 (VCV001371476.5), dbSNP rs2134343861, ClinGen allele CA379497767.
Genomic context (GRCh38, chr11:18,297,707, plus strand): 5'-TCATTGTAGGTGCCATGGTCCAGCTGAGATTTCAAATGCTCCAATTTATCTGCAGTCAAA[G>A]TTTTTCTTGCCTAATAAAACAACAGCGCAATGGAATAGCTATTTGTAGGTAAATCTATAT-3'
Protein context (NP_852608.1, residues 382-402): NSVIASRARK[Thr392Ile]LTADKLEHLK

ClinVar aggregate classification (germline): Uncertain significance (1 of 4 stars; one submission).

Allele frequency attached by ClinVar (database versions not stated): gnomAD exomes below 0.00001.
gnomAD v4.1: 3 of 1,613,932 alleles (0.00019%); highest among the groups gnomAD compares: Non-Finnish European, 0.00025%; no homozygotes.

Submission:

Labcorp Genetics (formerly Invitae), Labcorp
Classification: Uncertain significance. Last evaluated: 2021-09-24. Review status: criteria provided, single submitter. Criteria: Invitae Variant Classification Sherloc (09022015). Collection method: clinical testing. Allele origin: germline.
Comment: This sequence change replaces threonine with isoleucine at codon 392 of the HPS5 protein (p.Thr392Ile). The threonine residue is weakly conserved and there is a moderate physicochemical difference between threonine and isoleucine. This variant is not present in population databases (ExAC no frequency). This variant has not been reported in the literature in individuals with HPS5-related conditions. Algorithms developed to predict the effect of missense changes on protein structure and function (SIFT, PolyPhen-2, Align-GVGD) all suggest that this variant is likely to be tolerated, but these predictions have not been confirmed by published functional studies and their clinical significance is uncertain. In summary, the available evidence is currently insufficient to determine the role of this variant in disease. Therefore, it has been classified as a Variant of Uncertain Significance.